The following is an entry in ClinVar:

ClinVar aggregate classification (germline): Uncertain significance. Review status: criteria provided, multiple submitters, no conflicts (2 of 4 stars). 2 submissions from 2 submitters: Uncertain significance (2). Last evaluated 2022-09-27.

Conditions:
Desbuquois dysplasia 1 (DBQD1). Also called: DESBUQUOIS DYSPLASIA 1, KIM VARIANT; MICROMELIC DWARFISM WITH VERTEBRAL AND METAPHYSEAL ABNORMALITIES AND ADVANCED CARPOTARSAL OSSIFICATION. Identifiers: Orphanet 1425, MedGen C4012146, MONDO:0009629, OMIM 251450.
Inborn genetic diseases. Identifiers: MedGen C0950123, MeSH D030342.

Allele frequency attached by ClinVar (database versions not stated): gnomAD 0.00002; gnomAD exomes 0.00003.
gnomAD v4.1: 27 of 1,123,194 alleles (0.0024%); highest among the groups gnomAD compares: Non-Finnish European, 0.0028%; no homozygotes.

Submissions (2):

Labcorp Genetics (formerly Invitae), Labcorp
Classification: Uncertain significance for Desbuquois dysplasia 1. Last evaluated: 2022-09-27. Review status: criteria provided, single submitter. Criteria: Invitae Variant Classification Sherloc (09022015). Collection method: clinical testing. Allele origin: germline.
Comment: In summary, the available evidence is currently insufficient to determine the role of this variant in disease. Therefore, it has been classified as a Variant of Uncertain Significance. Advanced modeling of protein sequence and biophysical properties (such as structural, functional, and spatial information, amino acid conservation, physicochemical variation, residue mobility, and thermodynamic stability) performed at Invitae indicates that this missense variant is not expected to disrupt XYLT1 protein function. ClinVar contains an entry for this variant (Variation ID: 1429831). This variant has not been reported in the literature in individuals affected with XYLT1-related conditions. The frequency data for this variant in the population databases is considered unreliable, as metrics indicate insufficient coverage at this position in the gnomAD database. This sequence change replaces alanine, which is neutral and non-polar, with valine, which is neutral and non-polar, at codon 60 of the XYLT1 protein (p.Ala60Val).

Ambry Genetics
Classification: Uncertain significance for Inborn genetic diseases. Last evaluated: 2021-03-30. Review status: criteria provided, single submitter. Criteria: Ambry Variant Classification Scheme 2023. Collection method: clinical testing. Allele origin: germline.
Comment: The c.179C>T (p.A60V) alteration is located in exon 1 (coding exon 1) of the XYLT1 gene. This alteration results from a C to T substitution at nucleotide position 179, causing the alanine (A) at amino acid position 60 to be replaced by a valine (V). The p.A60V alteration is predicted to be tolerated by in silico analysis. Based on insufficient or conflicting evidence, the clinical significance of this alteration remains unclear.

NM_022166.4(XYLT1):c.179C>T (p.Ala60Val)

Gene: XYLT1 (xylosyltransferase 1; minus strand). Cytogenetic location: 16p12.3.
Variant type: single nucleotide variant.
Coding change: c.179C>T on transcript NM_022166.4 (MANE Select); coding-DNA position 179, C replaced by T.
Protein change: p.Ala60Val; replaces alanine 60 with valine.
Molecular consequence: missense variant.
Genome position (GRCh38, 1-based): chr16:17,470,618, G>A on the plus strand (C>T on the coding strand, the complement: XYLT1 is on the minus strand). VCF-style: chr16-17470618-G-A. GRCh37 (hg19) VCF-style: chr16-17564475-G-A.
Other names: c.179C>T (NM_022166.3); short protein forms A60V.
Identifiers: ClinVar variation 1429831 (VCV001429831.5), dbSNP rs1294077633, ClinGen allele CA395220235.